The following is an entry in ClinVar:

ClinVar aggregate classification (germline): Pathogenic. Review status: criteria provided, multiple submitters, no conflicts (2 of 4 stars). 2 submissions from 2 submitters: Pathogenic (2). Last evaluated 2022-06-12.

Conditions:
HYPERHOMOCYSTEINEMIA, THROMBOTIC, CBS-RELATED. Identifiers: MedGen C3150344, OMIM 236200.

Submissions (2):

Labcorp Genetics (formerly Invitae), Labcorp
Classification: Pathogenic for HYPERHOMOCYSTEINEMIA, THROMBOTIC, CBS-RELATED. Last evaluated: 2022-06-12. Review status: criteria provided, single submitter. Criteria: Invitae Variant Classification Sherloc (09022015). Collection method: clinical testing. Allele origin: germline.
Comment: For these reasons, this variant has been classified as Pathogenic. Algorithms developed to predict the effect of sequence changes on RNA splicing suggest that this variant may disrupt the consensus splice site. ClinVar contains an entry for this variant (Variation ID: 212853). Disruption of this splice site has been observed in individual(s) with homocystinuria (PMID: 33057012). This variant is not present in population databases (gnomAD no frequency). This sequence change affects a donor splice site in intron 8 of the CBS gene. It is expected to disrupt RNA splicing. Variants that disrupt the donor or acceptor splice site typically lead to a loss of protein function (PMID: 16199547), and loss-of-function variants in CBS are known to be pathogenic (PMID: 10338090, 12124992).

GeneDx
Classification: Pathogenic. Last evaluated: 2013-02-27. Review status: criteria provided, single submitter. Criteria: GeneDx Variant Classification (06012015). Collection method: clinical testing. Allele origin: germline. Affected: yes.
Comment: c.736+2 T>G: IVS8+2 T>G in intron 8 of the CBS gene (NM_000071.2). Although the c.736+2 T>G mutation has not been reported as a disease-causing mutation nor as a benign polymorphism to our knowledge, this mutation destroys the canonical splice donor site in intron 8 and is predicted to cause abnormal gene splicing. The mutation is predicted to lead to either an abnormal message that is subject to nonsense-mediated mRNA decay, or to an abnormal protein product if the message is used for protein translation. Other splice site mutations in the CBS gene have been reported in association with homocystinuria. This variant was found in TAAD

Literature cited by the submitters: PubMed 33057012 (cited by Labcorp Genetics (formerly Invitae), Labcorp); PubMed 16199547 (cited by Labcorp Genetics (formerly Invitae), Labcorp); PubMed 10338090 (cited by Labcorp Genetics (formerly Invitae), Labcorp); PubMed 12124992 (cited by Labcorp Genetics (formerly Invitae), Labcorp).

NM_000071.3(CBS):c.736+2T>G

Gene: CBS (cystathionine beta-synthase; minus strand). Cytogenetic location: 21q22.3.
Variant type: single nucleotide variant.
Coding change: c.736+2T>G on transcript NM_000071.3 (MANE Select); the canonical splice donor site of the intron after coding-DNA position 736, T replaced by G.
Molecular consequence: splice donor variant.
Genome position (GRCh38, 1-based): chr21:43,065,201, A>C on the plus strand (T>G on the coding strand, the complement: CBS is on the minus strand). VCF-style: chr21-43065201-A-C. GRCh37 (hg19) VCF-style: chr21-44485311-A-C.
Other names: c.736+2T>G (NM_001320298.2, NM_001178009.3, NM_001178008.3); c.421+2T>G (NM_001321072.1).
Identifiers: ClinVar variation 212853 (VCV000212853.7), dbSNP rs863223430, ClinGen allele CA321112.